The following is an entry in ClinVar:

ClinVar aggregate classification (germline): Uncertain significance (1 of 4 stars; one submission).

Submission:

Laboratory for Molecular Medicine, Mass General Brigham Personalized Medicine
Classification: Uncertain significance. Last evaluated: 2013-04-03. Review status: criteria provided, single submitter. Criteria: LMM Criteria. Collection method: clinical testing. Allele origin: germline. Observed: 1 variant allele.
Comment: The Leu1061Met variant in MYH6 has not been reported in the literature nor previ ously identified by our laboratory. This variant has also not been identified in large European American and African American populations by the NHLBI Exome Seq uencing Project, though it may be present in other populations. Computational analyses (biochemical amino acid properties, co nservation, AlignGVGD, PolyPhen2, and SIFT) do not provide strong support for or against an impact to the protein. Additional information is needed to fully ass ess the clinical significance of this variant.

NM_002471.4(MYH6):c.3181C>A (p.Leu1061Met)

Gene: MYH6 (myosin heavy chain 6; minus strand). Cytogenetic location: 14q11.2.
Variant type: single nucleotide variant.
Coding change: c.3181C>A on transcript NM_002471.4 (MANE Select); coding-DNA position 3181, C replaced by A.
Protein change: p.Leu1061Met; replaces leucine 1061 with methionine.
Molecular consequence: missense variant.
Genome position (GRCh38, 1-based): chr14:23,392,982, G>T on the plus strand (C>A on the coding strand, the complement: MYH6 is on the minus strand). VCF-style: chr14-23392982-G-T. GRCh37 (hg19) VCF-style: chr14-23862191-G-T.
Other names: short protein forms L1061M.
Identifiers: ClinVar variation 164236 (VCV000164236.4), dbSNP rs727503237, ClinGen allele CA176952.